The following is an entry in ClinVar:

ClinVar aggregate classification (germline): Pathogenic (1 of 4 stars; one submission).

Conditions:
Alkaptonuria (AKU). Also called: Homogentisic acidura; Alcaptonuria; HOMOGENTISIC ACID OXIDASE DEFICIENCY; Alkaptonuric ochronosis. Identifiers: Orphanet 56, MedGen C0002066, MONDO:0008753, OMIM 203500.

Submission:

Myriad Genetics, Inc.
Classification: Pathogenic for Alkaptonuria. Last evaluated: 2025-02-10. Review status: criteria provided, single submitter. Criteria: Myriad Autosomal Dominant, Autosomal Recessive and X-Linked Classification Criteria (2023). Collection method: clinical testing. Allele origin: unknown.
Comment: NM_000187.3(HGD):c.1021G>T(E341*) is a nonsense variant classified as pathogenic in the context of alkaptonuria. E341* has not been observed in cases with relevant disease. Relevant functional assessments of this variant are not available in the literature. E341* has not been observed in referenced population frequency databases. In summary, NM_000187.3(HGD):c.1021G>T(E341*) is a nonsense variant in a gene where loss of function is a known mechanism of disease and is predicted to disrupt protein function. Please note: this variant was assessed in the context of healthy population screening.

NM_000187.4(HGD):c.1021G>T (p.Glu341Ter)

Gene: HGD (homogentisate 1,2-dioxygenase; minus strand). Cytogenetic location: 3q13.33.
Variant type: single nucleotide variant.
Coding change: c.1021G>T on transcript NM_000187.4 (MANE Select); coding-DNA position 1021, G replaced by T.
Protein change: p.Glu341Ter; replaces glutamic acid 341 with a stop codon.
Molecular consequence: nonsense.
Genome position (GRCh38, 1-based): chr3:120,633,314, C>A on the plus strand (G>T on the coding strand, the complement: HGD is on the minus strand). VCF-style: chr3-120633314-C-A. GRCh37 (hg19) VCF-style: chr3-120352161-C-A.
Other names: short protein forms E341*.
Identifiers: ClinVar variation 4081705 (VCV004081705.1).